The following is an entry in ClinVar:

ClinVar aggregate classification (germline): Uncertain significance (1 of 4 stars; one submission).

Allele frequency attached by ClinVar (database versions not stated): gnomAD exomes below 0.00001.
gnomAD v4.1: 1 of 1,614,178 alleles (0.000062%); highest among the groups gnomAD compares: South Asian, 0.0011%; no homozygotes.

Submission:

Labcorp Genetics (formerly Invitae), Labcorp
Classification: Uncertain significance. Last evaluated: 2021-08-04. Review status: criteria provided, single submitter. Criteria: Invitae Variant Classification Sherloc (09022015). Collection method: clinical testing. Allele origin: germline.
Comment: This variant has not been reported in the literature in individuals with MYO1E-related conditions. Algorithms developed to predict the effect of sequence changes on RNA splicing suggest that this variant may create or strengthen a splice site, but this prediction has not been confirmed by published transcriptional studies. In summary, the available evidence is currently insufficient to determine the role of this variant in disease. Therefore, it has been classified as a Variant of Uncertain Significance. This variant is not present in population databases (ExAC no frequency). This sequence change affects codon 313 of the MYO1E mRNA. It is a 'silent' change, meaning that it does not change the encoded amino acid sequence of the MYO1E protein.

NM_004998.4(MYO1E):c.939G>T (p.Gly313=)

Gene: MYO1E (myosin IE; minus strand). Cytogenetic location: 15q22.2.
Variant type: single nucleotide variant.
Coding change: c.939G>T on transcript NM_004998.4 (MANE Select); coding-DNA position 939, G replaced by T.
Protein change: p.Gly313=; no amino-acid change (glycine 313 retained).
Molecular consequence: synonymous variant.
Genome position (GRCh38, 1-based): chr15:59,218,059, C>A on the plus strand (G>T on the coding strand, the complement: MYO1E is on the minus strand). VCF-style: chr15-59218059-C-A. GRCh37 (hg19) VCF-style: chr15-59510258-C-A.
Identifiers: ClinVar variation 999544 (VCV000999544.8), dbSNP rs2079930903, ClinGen allele CA490638829.